The following is an entry in ClinVar:

ClinVar aggregate classification (germline): Uncertain significance (1 of 4 stars; one submission).

Conditions:
Hereditary cancer-predisposing syndrome. Also called: Neoplastic Syndromes, Hereditary; Tumor predisposition; Hereditary Cancer Syndrome; Hereditary neoplastic syndrome. Identifiers: Orphanet 140162, MedGen C0027672, MeSH D009386, MONDO:0015356.

Allele frequency attached by ClinVar (database versions not stated): gnomAD exomes below 0.00001.
gnomAD v4.1: 2 of 1,612,260 alleles (0.00012%); highest among the groups gnomAD compares: Non-Finnish European, 0.00017%; no homozygotes.

Submission:

Ambry Genetics
Classification: Uncertain significance for Hereditary cancer-predisposing syndrome. Last evaluated: 2021-11-12. Review status: criteria provided, single submitter. Criteria: Ambry Variant Classification Scheme 2023. Collection method: clinical testing. Allele origin: germline.
Comment: The p.A279V variant (also known as c.836C>T), located in coding exon 7 of the MRE11A gene, results from a C to T substitution at nucleotide position 836. The alanine at codon 279 is replaced by valine, an amino acid with similar properties. This amino acid position is conserved. In addition, the in silico prediction for this alteration is inconclusive. Since supporting evidence is limited at this time, the clinical significance of this alteration remains unclear.

NM_005591.4(MRE11):c.836C>T (p.Ala279Val)

Gene: MRE11 (MRE11 double strand break repair nuclease; minus strand). Cytogenetic location: 11q21.
Variant type: single nucleotide variant.
Coding change: c.836C>T on transcript NM_005591.4 (MANE Select); coding-DNA position 836, C replaced by T.
Protein change: p.Ala279Val; replaces alanine 279 with valine.
Molecular consequence: missense variant.
Genome position (GRCh38, 1-based): chr11:94,471,583, G>A on the plus strand (C>T on the coding strand, the complement: MRE11 is on the minus strand). VCF-style: chr11-94471583-G-A. GRCh37 (hg19) VCF-style: chr11-94204749-G-A.
Other names: c.836C>T, p.Ala279Val (NM_001330347.2, NM_005590.4); short protein forms A279V.
Identifiers: ClinVar variation 1799814 (VCV001799814.2), dbSNP rs2496493949, ClinGen allele CA382375462.